The following is an entry in ClinVar:

NM_152641.4(ARID2):c.2903T>A (p.Ile968Lys)

Gene: ARID2 (AT-rich interaction domain 2; plus strand). Cytogenetic location: 12q12.
Variant type: single nucleotide variant.
Coding change: c.2903T>A on transcript NM_152641.4 (MANE Select); coding-DNA position 2903, T replaced by A.
Protein change: p.Ile968Lys; replaces isoleucine 968 with lysine.
Molecular consequence: missense variant.
Genome position (GRCh38, 1-based): chr12:45,851,026, T>A. VCF-style: chr12-45851026-T-A. GRCh37 (hg19) VCF-style: chr12-46244809-T-A.
Other names: c.2903T>A, p.Ile968Lys (NM_001347839.2); short protein forms I968K.
Identifiers: ClinVar variation 4281332 (VCV004281332.7).

ClinVar aggregate classification (germline): Uncertain significance (1 of 4 stars; one submission).

Submission:

CeGaT Center for Human Genetics Tuebingen
Classification: Uncertain significance. Last evaluated: 2025-09-01. Review status: criteria provided, single submitter. Criteria: CeGaT Center For Human Genetics Tuebingen Variant Classification Criteria Version 2. Collection method: clinical testing. Allele origin: germline. Affected: yes. Observed: 1 variant allele.
Comment: ARID2: PM2, BP4